The following is an entry in ClinVar:

ClinVar aggregate classification (germline): Likely pathogenic (1 of 4 stars; one submission).

Conditions:
Nemaline myopathy. Also called: Myopathies, Nemaline. Identifiers: Orphanet 607, MedGen C0206157, MONDO:0018958.

Submission:

Broad Center for Mendelian Genomics, Broad Institute of MIT and Harvard
Classification: Likely pathogenic for Nemaline myopathy. Last evaluated: 2025-03-07. Review status: criteria provided, single submitter. Criteria: ACMG Guidelines, 2015. Collection method: curation. Allele origin: germline. Inheritance: Autosomal recessive inheritance.
Comment: The p.Thr6350ProfsTer4 variant in NEB has been reported, in the compound heterozygous state, in 1 individual with nemaline myopathy (PMID: 16917880), and has been identified in 0.003% (2/63656) of European (Finnish) chromosomes by the Genome Aggregation Database (gnomAD; dbSNP ID: rs2096023637). Although this variant has been seen in the general population in a heterozygous state, its frequency is low enough to be consistent with a recessive carrier frequency. This variant is predicted to cause a frameshift, which alters the protein‚Äôs amino acid sequence beginning at position 6350 and leads to a premature termination codon 4 amino acids downstream. This alteration is then predicted to lead to a truncated or absent protein. Computational tools predict a splicing impact, though this information is not predictive enough to determine pathogenicity. This variant is in an in-frame exon and may escape nonsense mediated decay (NMD) and result in a truncated protein. In-frame exon skipping of the NEB gene is an established disease mechanism in autosomal recessive nemaline myopathy. In summary, although additional studies are required to fully establish its clinical significance, this variant is likely pathogenic for autosomal recessive nemaline myopathy. ACMG/AMP Criteria applied: PVS1, PM2_supporting (Richards 2015).

NM_001164508.2(NEB):c.19048_19057del (p.Thr6350fs)

Gene: NEB (nebulin; minus strand). Cytogenetic location: 2q23.3.
Variant type: Deletion.
Coding change: c.19048_19057del on transcript NM_001164508.2 (MANE Select); coding-DNA positions 19048 to 19057, 10 bases deleted (ACAGACACGC; older notation c.19048_19057delACAGACACGC).
Protein change: p.Thr6350fs; shifts the reading frame from threonine 6350.
Molecular consequence: frameshift variant.
Genome position (GRCh38, 1-based): chr2:151,561,252-151,561,261, GCGTGTCTGT deleted on the plus strand (ACAGACACGC on the coding strand, the reverse complement: NEB is on the minus strand); deleting any 10 consecutive bases within chr2:151,561,252-151,561,262 gives the same sequence; the c. name uses the placement nearest the transcript's 3' end. VCF-style (leftmost placement, unchanged base first): chr2-151561251-GGCGTGTCTGT-G. GRCh37 (hg19) VCF-style: chr2-152417765-GGCGTGTCTGT-G.
Other names: NM_001164508.2:c.19048_19057del; c.19048_19057del, p.Thr6350fs (NM_001164507.2, NM_001271208.2); c.13945_13954del, p.Thr4649fs (NM_004543.5); short protein forms T4649fs, T6350fs.
Identifiers: ClinVar variation 3776970 (VCV003776970.1).
Genomic context (GRCh38, chr2:151,561,251, plus strand): 5'-AGTACAGGAAGACGCACCTCACTGGCATTAATGCCACTCTGAACAGCAGTCACATAGAGG[GGCGTGTCTGT>G]GACCAGATTATAGTTTTGTAGATTTTCTTTACCTGCTGCTGTATATTGTAGCTGTGAAGA-3'